The following is an entry in ClinVar:

NM_001040108.2(MLH3):c.218A>G (p.Tyr73Cys)

Gene: MLH3 (mutL homolog 3; minus strand). Cytogenetic location: 14q24.3.
Variant type: single nucleotide variant.
Coding change: c.218A>G on transcript NM_001040108.2 (MANE Select); coding-DNA position 218, A replaced by G.
Protein change: p.Tyr73Cys; replaces tyrosine 73 with cysteine.
Molecular consequence: missense variant.
Genome position (GRCh38, 1-based): chr14:75,049,438, T>C on the plus strand (A>G on the coding strand, the complement: MLH3 is on the minus strand). VCF-style: chr14-75049438-T-C. GRCh37 (hg19) VCF-style: chr14-75516141-T-C.
Other names: c.218A>G, p.Tyr73Cys (NM_014381.3); short protein forms Y73C.
Identifiers: ClinVar variation 3873475 (VCV003873475.1).

ClinVar aggregate classification (germline): Uncertain significance (1 of 4 stars; one submission).

gnomAD v4.1: 2 of 1,614,124 alleles (0.00012%); highest among the groups gnomAD compares: South Asian, 0.0022%; no homozygotes.

Submission:

Ambry Genetics
Classification: Uncertain significance. Last evaluated: 2024-12-16. Review status: criteria provided, single submitter. Criteria: Ambry Variant Classification Scheme 2023. Collection method: clinical testing. Allele origin: germline.
Comment: The p.Y73C variant (also known as c.218A>G), located in coding exon 1 of the MLH3 gene, results from an A to G substitution at nucleotide position 218. The tyrosine at codon 73 is replaced by cysteine, an amino acid with highly dissimilar properties. This amino acid position is conserved. In addition, this alteration is predicted to be deleterious by in silico analysis. Based on the available evidence, the clinical significance of this variant remains unclear.